The following is an entry in ClinVar:

NM_001377.3(DYNC2H1):c.2600_2602del (p.Asp867_Met868delinsVal)

Gene: DYNC2H1 (dynein cytoplasmic 2 heavy chain 1; plus strand). Cytogenetic location: 11q22.3.
Variant type: Deletion.
Coding change: c.2600_2602del on transcript NM_001377.3 (MANE Select); coding-DNA positions 2600 to 2602, 3 bases deleted (ATA; older notation c.2600_2602delATA).
Protein change: p.Asp867_Met868delinsVal.
Molecular consequence: inframe indel.
Genome position (GRCh38, 1-based): chr11:103,143,293-103,143,295, ATA deleted. VCF-style (leftmost placement, unchanged base first): chr11-103143292-GATA-G. GRCh37 (hg19) VCF-style: chr11-103014021-GATA-G.
Other names: c.2600_2602del, p.Asp867_Met868delinsVal (NM_001080463.2).
Identifiers: ClinVar variation 1052982 (VCV001052982.7), dbSNP rs2134829810, ClinGen allele CA2499220532.
Genomic context (GRCh38, chr11:103,143,292, plus strand): 5'-TGTCTTTAATAATACATTTTTTCTTTCTTTAAATAGGAATGGATTGTAATTGGGCAAGTT[GATA>G]TGGAAGCTCTGGTGGAAAAGCATCTTTTTACTGTACATGATTGGGAGAAAAATTTTAAAG-3'

ClinVar aggregate classification (germline): Uncertain significance (1 of 4 stars; one submission).

Conditions:
Jeune thoracic dystrophy. Also called: Jeune syndrome; Infantile thoracic dystrophy; Thoracic pelvic phalangeal dystrophy; Jeune's syndrome; Chondroectodermal dysplasia-like syndrome; Short-rib thoracic dysplasia. Identifiers: Orphanet 474, MedGen C0265275, MONDO:0018770.

Allele frequency attached by ClinVar (database versions not stated): gnomAD exomes below 0.00001.

Submission:

Labcorp Genetics (formerly Invitae), Labcorp
Classification: Uncertain significance for Jeune thoracic dystrophy. Last evaluated: 2021-10-08. Review status: criteria provided, single submitter. Criteria: Invitae Variant Classification Sherloc (09022015). Collection method: clinical testing. Allele origin: germline.
Comment: In summary, the available evidence is currently insufficient to determine the role of this variant in disease. Therefore, it has been classified as a Variant of Uncertain Significance. Experimental studies and prediction algorithms are not available or were not evaluated, and the functional significance of this variant is currently unknown. This variant has not been reported in the literature in individuals affected with DYNC2H1-related conditions. This variant is not present in population databases (ExAC no frequency). This variant, c.2600_2602del, is a complex sequence change that results in the deletion of 2 and insertion of 1 amino acid(s) in the DYNC2H1 protein (p.Asp867_Met868delinsVal).